The following is an entry in ClinVar:

ClinVar aggregate classification (germline): Uncertain significance (1 of 4 stars; one submission).

Conditions:
Peroxisome biogenesis disorder 9B. Also called: PEX7-Related Refsum Disease; Refsum disease, adult, 2; PEROXISOME BIOGENESIS DISORDER, PEX7-RELATED, ATYPICAL. Identifiers: Orphanet 773, MedGen C2749346, MONDO:0013945, OMIM 614879.

Allele frequency attached by ClinVar (database versions not stated): ExAC 0.00002; gnomAD 0.00001.
gnomAD v4.1: 3 of 1,613,450 alleles (0.00019%); highest among the groups gnomAD compares: East Asian, 0.0067%; no homozygotes.

Submission:

Labcorp Genetics (formerly Invitae), Labcorp
Classification: Uncertain significance for Peroxisome biogenesis disorder 9B. Last evaluated: 2021-12-28. Review status: criteria provided, single submitter. Criteria: Invitae Variant Classification Sherloc (09022015). Collection method: clinical testing. Allele origin: germline.
Comment: This sequence change replaces isoleucine, which is neutral and non-polar, with valine, which is neutral and non-polar, at codon 162 of the PEX7 protein (p.Ile162Val). This variant is present in population databases (rs747412865, gnomAD 0.01%). This variant has not been reported in the literature in individuals affected with PEX7-related conditions. Algorithms developed to predict the effect of missense changes on protein structure and function (SIFT, PolyPhen-2, Align-GVGD) all suggest that this variant is likely to be tolerated. In summary, the available evidence is currently insufficient to determine the role of this variant in disease. Therefore, it has been classified as a Variant of Uncertain Significance.

NM_000288.4(PEX7):c.484A>G (p.Ile162Val)

Gene: PEX7 (peroxisomal biogenesis factor 7; plus strand). Cytogenetic location: 6q23.3.
Variant type: single nucleotide variant.
Coding change: c.484A>G on transcript NM_000288.4 (MANE Select); coding-DNA position 484, A replaced by G.
Protein change: p.Ile162Val; replaces isoleucine 162 with valine.
Molecular consequence: missense variant.
Genome position (GRCh38, 1-based): chr6:136,846,139, A>G. VCF-style: chr6-136846139-A-G. GRCh37 (hg19) VCF-style: chr6-137167277-A-G.
Other names: c.370A>G, p.Ile124Val (NM_001410945.1); short protein forms I124V, I162V.
Identifiers: ClinVar variation 2152694 (VCV002152694.1), dbSNP rs747412865, ClinGen allele CA4017628.